The following is an entry in ClinVar:

ClinVar aggregate classification (germline): Pathogenic (1 of 4 stars; one submission).

Conditions:
Cutis laxa, autosomal dominant 3 (ADCL3). Identifiers: Orphanet 90348, MedGen C4225268, MONDO:0014706, OMIM 616603.
Autosomal dominant spastic paraplegia type 9. Identifiers: MedGen C1832669, MONDO:0015091.
de Barsy syndrome. Also called: Cutis laxa-corneal clouding-oligophrenia syndrome. Identifiers: Orphanet 2962, MedGen C0268354, MONDO:0017569.

Submission:

Labcorp Genetics (formerly Invitae), Labcorp
Classification: Pathogenic for Autosomal dominant spastic paraplegia type 9; de Barsy syndrome; Cutis laxa, autosomal dominant 3. Last evaluated: 2024-05-02. Review status: criteria provided, single submitter. Criteria: Invitae Variant Classification Sherloc (09022015). Collection method: clinical testing. Allele origin: germline.
Comment: This sequence change creates a premature translational stop signal (p.Leu156*) in the ALDH18A1 gene. It is expected to result in an absent or disrupted protein product. Loss-of-function variants in ALDH18A1 are known to be pathogenic (PMID: 21739576, 24913064, 28567303, 28604674, 29915212). This variant is not present in population databases (gnomAD no frequency). This variant has not been reported in the literature in individuals affected with ALDH18A1-related conditions. For these reasons, this variant has been classified as Pathogenic.

Literature cited by the submitters: PubMed 21739576; PubMed 24913064; PubMed 28567303; PubMed 28604674; PubMed 29915212.

NM_002860.4(ALDH18A1):c.467T>G (p.Leu156Ter)

Gene: ALDH18A1 (aldehyde dehydrogenase 18 family member A1; minus strand). Cytogenetic location: 10q24.1.
Variant type: single nucleotide variant.
Coding change: c.467T>G on transcript NM_002860.4 (MANE Select); coding-DNA position 467, T replaced by G.
Protein change: p.Leu156Ter; replaces leucine 156 with a stop codon.
Molecular consequence: nonsense. On other transcripts: intron variant (2).
Genome position (GRCh38, 1-based): chr10:95,637,184, A>C on the plus strand (T>G on the coding strand, the complement: ALDH18A1 is on the minus strand). VCF-style: chr10-95637184-A-C. GRCh37 (hg19) VCF-style: chr10-97396941-A-C.
Other names: c.467T>G, p.Leu156Ter (NM_001017423.2, NM_001323413.2, NM_001323414.2 and 1 more transcripts); c.134T>G, p.Leu45Ter (NM_001323412.2, NM_001323416.2, NM_001323418.2); c.-78-3535T>G (NM_001323419.2); c.453+103T>G (NM_001323417.2); short protein forms L156*, L45*.
Identifiers: ClinVar variation 3756046 (VCV003756046.2).